The following is an entry in ClinVar:

ClinVar aggregate classification (germline): Uncertain significance (1 of 4 stars; one submission).

Conditions:
Cardiovascular phenotype. Identifiers: MedGen CN230736.

Submission:

Ambry Genetics
Classification: Uncertain significance for Cardiovascular phenotype. Last evaluated: 2023-04-25. Review status: criteria provided, single submitter. Criteria: Ambry Variant Classification Scheme 2023. Collection method: clinical testing. Allele origin: germline.
Comment: The p.P692L variant (also known as c.2075C>T), located in coding exon 9 of the RBM20 gene, results from a C to T substitution at nucleotide position 2075. The proline at codon 692 is replaced by leucine, an amino acid with similar properties. This amino acid position is conserved. In addition, this alteration is predicted to be tolerated by in silico analysis. Since supporting evidence is limited at this time, the clinical significance of this alteration remains unclear.

NM_001134363.3(RBM20):c.2075C>T (p.Pro692Leu)

Gene: RBM20 (RNA binding motif protein 20; plus strand). Cytogenetic location: 10q25.2.
Variant type: single nucleotide variant.
Coding change: c.2075C>T on transcript NM_001134363.3 (MANE Select); coding-DNA position 2075, C replaced by T.
Protein change: p.Pro692Leu; replaces proline 692 with leucine.
Molecular consequence: missense variant.
Genome position (GRCh38, 1-based): chr10:110,812,472, C>T. VCF-style: chr10-110812472-C-T. GRCh37 (hg19) VCF-style: chr10-112572230-C-T.
Other names: short protein forms P692L.
Identifiers: ClinVar variation 2564177 (VCV002564177.2), dbSNP rs2493473896, ClinGen allele CA378371365.